The following is an entry in ClinVar:

ClinVar aggregate classification (germline): Uncertain significance (1 of 4 stars; one submission).

Conditions:
Hereditary cancer-predisposing syndrome. Also called: Hereditary Cancer Syndrome; Hereditary neoplastic syndrome; Neoplastic Syndromes, Hereditary; Tumor predisposition. Identifiers: Orphanet 140162, MedGen C0027672, MeSH D009386, MONDO:0015356.

Submission:

Ambry Genetics
Classification: Uncertain significance for Hereditary cancer-predisposing syndrome. Last evaluated: 2025-08-31. Review status: criteria provided, single submitter. Criteria: Ambry Variant Classification Scheme 2023. Collection method: clinical testing. Allele origin: germline.
Comment: The p.Y430C variant (also known as c.1289A>G), located in coding exon 12 of the FANCC gene, results from an A to G substitution at nucleotide position 1289. The tyrosine at codon 430 is replaced by cysteine, an amino acid with highly dissimilar properties. This amino acid position is conserved. In addition, this alteration is predicted to be tolerated by in silico analysis. Based on the available evidence, the clinical significance of this variant remains unclear.

NM_000136.3(FANCC):c.1289A>G (p.Tyr430Cys)

Genes: AOPEP (aminopeptidase O (putative); plus strand), FANCC (FA complementation group C; minus strand). Cytogenetic location: 9q22.32.
Variant type: single nucleotide variant.
Coding change: c.1289A>G on transcript NM_000136.3 (MANE Select); coding-DNA position 1289, A replaced by G.
Protein change: p.Tyr430Cys; replaces tyrosine 430 with cysteine.
Molecular consequence: missense variant.
Genome position (GRCh38, 1-based): chr9:95,111,503, T>C on the plus strand (A>G on the coding strand, the complement: FANCC is on the minus strand). VCF-style: chr9-95111503-T-C. GRCh37 (hg19) VCF-style: chr9-97873785-T-C.
Other names: c.1289A>G, p.Tyr430Cys (NM_001243743.2, NM_001243744.2); short protein forms Y430C.
Identifiers: ClinVar variation 4254398 (VCV004254398.1).